The following is an entry in ClinVar:

NM_006118.4(HAX1):c.485C>T (p.Ser162Phe)

Gene: HAX1 (HCLS1 associated protein X-1; plus strand). Cytogenetic location: 1q21.3.
Variant type: single nucleotide variant.
Coding change: c.485C>T on transcript NM_006118.4 (MANE Select); coding-DNA position 485, C replaced by T.
Protein change: p.Ser162Phe; replaces serine 162 with phenylalanine.
Molecular consequence: missense variant.
Genome position (GRCh38, 1-based): chr1:154,273,942, C>T. VCF-style: chr1-154273942-C-T. GRCh37 (hg19) VCF-style: chr1-154246418-C-T.
Other names: c.341C>T, p.Ser114Phe (NM_001018837.2); short protein forms S114F, S162F.
Identifiers: ClinVar variation 4621329 (VCV004621329.1).
Genomic context (GRCh38, chr1:154,273,942, plus strand): 5'-GGGGGGTCTTGGAGAGTGATGCAAGAAGTGAATCCCCCCAACCAGCACCAGACTGGGGCT[C>T]CCAGAGGCCATTTCATAGGGTGAGTATCCCATCTGGTCCTGAAGTGAGAGCTTGTGAGAG-3'
Protein context (NP_006109.2, residues 152-172): ESPQPAPDWG[Ser162Phe]QRPFHRFDDV

ClinVar aggregate classification (germline): Uncertain significance (1 of 4 stars; one submission).

Conditions:
Inborn genetic diseases. Identifiers: MedGen C0950123, MeSH D030342.

Submission:

Ambry Genetics
Classification: Uncertain significance for Inborn genetic diseases. Last evaluated: 2025-10-05. Review status: criteria provided, single submitter. Criteria: Ambry Variant Classification Scheme 2023. Collection method: clinical testing. Allele origin: germline.
Comment: The p.S162F variant (also known as c.485C>T), located in coding exon 3 of the HAX1 gene, results from a C to T substitution at nucleotide position 485. The serine at codon 162 is replaced by phenylalanine, an amino acid with highly dissimilar properties. This amino acid position is conserved. In addition, this alteration is predicted to be tolerated by in silico analysis. Based on the available evidence, the clinical significance of this variant remains unclear.